The following is an entry in ClinVar:

NM_032634.4(PIGO):c.829G>C (p.Asp277His)

Gene: PIGO (phosphatidylinositol glycan anchor biosynthesis class O; minus strand). Cytogenetic location: 9p13.3.
Variant type: single nucleotide variant.
Coding change: c.829G>C on transcript NM_032634.4 (MANE Select); coding-DNA position 829, G replaced by C.
Protein change: p.Asp277His; replaces aspartic acid 277 with histidine.
Molecular consequence: missense variant.
Genome position (GRCh38, 1-based): chr9:35,093,531, C>G on the plus strand (G>C on the coding strand, the complement: PIGO is on the minus strand). VCF-style: chr9-35093531-C-G. GRCh37 (hg19) VCF-style: chr9-35093528-C-G.
Other names: c.829G>C, p.Asp277His (NM_001201484.2, NM_152850.4); short protein forms D277H.
Identifiers: ClinVar variation 838760 (VCV000838760.1), dbSNP rs1265192200, ClinGen allele CA373323399.

ClinVar aggregate classification (germline): Uncertain significance (1 of 4 stars; one submission).

Conditions:
Hyperphosphatasia with impaired intellectual development syndrome 2. Also called: Hyperphosphatasia with intellectual disability syndrome 2; GLYCOSYLPHOSPHATIDYLINOSITOL BIOSYNTHESIS DEFECT 6. Identifiers: Orphanet 247262, MedGen C3553637, MONDO:0013882, OMIM 614749.

Allele frequency attached by ClinVar (database versions not stated): gnomAD exomes below 0.00001.
gnomAD v4.1: 1 of 1,614,028 alleles (0.000062%); highest among the groups gnomAD compares: Non-Finnish European, 0.000085%; no homozygotes.

Submission:

Labcorp Genetics (formerly Invitae), Labcorp
Classification: Uncertain significance for Hyperphosphatasia with mental retardation syndrome 2. Last evaluated: 2019-09-09. Review status: criteria provided, single submitter. Criteria: Invitae Variant Classification Sherloc (09022015). Collection method: clinical testing. Allele origin: germline.
Comment: This sequence change replaces aspartic acid with histidine at codon 277 of the PIGO protein (p.Asp277His). The aspartic acid residue is highly conserved and there is a moderate physicochemical difference between aspartic acid and histidine. This variant is not present in population databases (ExAC no frequency). This variant has not been reported in the literature in individuals with PIGO-related conditions. Algorithms developed to predict the effect of missense changes on protein structure and function (SIFT, PolyPhen-2, Align-GVGD) all suggest that this variant is likely to be disruptive, but these predictions have not been confirmed by published functional studies and their clinical significance is uncertain. In summary, the available evidence is currently insufficient to determine the role of this variant in disease. Therefore, it has been classified as a Variant of Uncertain Significance.